The following is an entry in ClinVar:

ClinVar aggregate classification (germline): Likely benign. Review status: criteria provided, single submitter (1 of 4 stars). 2 submissions from 2 submitters: Likely benign (1). 1 of the submissions does not count toward it. Last evaluated 2025-06-12.

Conditions:
CSGALNACT1-related disorder. Also called: CSGALNACT1-related condition.

Allele frequency attached by ClinVar (database versions not stated): TOPMed 0.00005; gnomAD 0.00006; ExAC 0.00012; 1000 Genomes Project 0.00020; 1000 Genomes Project 30x 0.00031.
gnomAD v4.1: 112 of 1,614,110 alleles (0.0069%); highest among the groups gnomAD compares: South Asian, 0.054%; 1 homozygote.

Submissions (2):

Labcorp Genetics (formerly Invitae), Labcorp
Classification: Likely benign. Last evaluated: 2025-06-12. Review status: criteria provided, single submitter. Criteria: Invitae Variant Classification Sherloc (09022015). Collection method: clinical testing. Allele origin: germline.

PreventionGenetics, part of Exact Sciences
Classification: Likely benign for CSGALNACT1-related condition. Last evaluated: 2019-10-28. Review status: no assertion criteria provided. Collection method: clinical testing. Allele origin: germline. Not counted in ClinVar's aggregate classification.
Comment: This variant is classified as likely benign based on ACMG/AMP sequence variant interpretation guidelines (Richards et al. 2015 PMID: 25741868, with internal and published modifications).

NM_001354483.2(CSGALNACT1):c.1461C>T (p.Pro487=)

Gene: CSGALNACT1 (chondroitin sulfate N-acetylgalactosaminyltransferase 1; minus strand). Cytogenetic location: 8p21.3.
Variant type: single nucleotide variant.
Coding change: c.1461C>T on transcript NM_001354483.2 (MANE Select); coding-DNA position 1461, C replaced by T.
Protein change: p.Pro487=; no amino-acid change (proline 487 retained).
Molecular consequence: synonymous variant. On other transcripts: non-coding transcript variant (7).
Genome position (GRCh38, 1-based): chr8:19,405,918, G>A on the plus strand (C>T on the coding strand, the complement: CSGALNACT1 is on the minus strand). VCF-style: chr8-19405918-G-A. GRCh37 (hg19) VCF-style: chr8-19263429-G-A.
Other names: c.1461C>T, p.Pro487= (NM_001130518.2, NM_001354475.2, NM_001354476.2 and 18 more transcripts); c.1461C>T (NM_001130518.1).
Identifiers: ClinVar variation 2064311 (VCV002064311.6), dbSNP rs553914582, ClinGen allele CA4653751.